The following is an entry in ClinVar:

ClinVar aggregate classification (germline): Benign. Review status: criteria provided, multiple submitters, no conflicts (2 of 4 stars). 2 submissions from 2 submitters: Benign (2). Last evaluated 2017-04-27.

Conditions:
3-hydroxy-3-methylglutaryl-CoA synthase deficiency (HMGCS2D). Also called: MITOCHONDRIAL HMG-CoA SYNTHASE DEFICIENCY; HMG-CoA synthase-2 deficiency; HMGCS2 DEFICIENCY. Identifiers: Orphanet 35701, MedGen C2751532, MONDO:0011614, OMIM 605911.

Allele frequency attached by ClinVar (database versions not stated): gnomAD 0.00219 and 0.00238; TOPMed 0.00243; 1000 Genomes Project 0.00300; 1000 Genomes Project 30x 0.00344.
gnomAD v4.1: 331 of 152,388 alleles (0.22%); highest among the groups gnomAD compares: African/African-American, 0.75%; 2 homozygotes.

Submissions (2):

Illumina Laboratory Services, Illumina
Classification: Benign for 3-hydroxy-3-methylglutaryl-CoA synthase deficiency. Last evaluated: 2017-04-27. Review status: criteria provided, single submitter. Criteria: ICSL Variant Classification Criteria 13 December 2019. Collection method: clinical testing. Allele origin: germline.
Comment: This variant was observed as part of a predisposition screen in an ostensibly healthy population. A literature search was performed for the gene, cDNA change, and amino acid change (where applicable). No publications were found based on this search. Allele frequency data from public databases was too high to be consistent with this variant causing disease. Therefore, this variant is classified as benign.

GeneDx
Classification: Benign. Last evaluated: 2015-03-03. Review status: criteria provided, single submitter. Criteria: GeneDx Variant Classification Process June 2021. Collection method: clinical testing. Allele origin: germline. Affected: yes.

NM_005518.4(HMGCS2):c.*12A>C

Gene: HMGCS2 (3-hydroxy-3-methylglutaryl-CoA synthase 2; minus strand). Cytogenetic location: 1p12.
Variant type: single nucleotide variant.
Coding change: c.*12A>C on transcript NM_005518.4 (MANE Select); 12 bases downstream of the stop codon, A replaced by C.
Molecular consequence: 3 prime UTR variant.
Genome position (GRCh38, 1-based): chr1:119,748,835, T>G on the plus strand (A>C on the coding strand, the complement: HMGCS2 is on the minus strand). VCF-style: chr1-119748835-T-G. GRCh37 (hg19) VCF-style: chr1-120291458-T-G.
Other names: c.*12A>C (NM_001166107.1).
Identifiers: ClinVar variation 876458 (VCV000876458.6), dbSNP rs182407677, ClinGen allele CA30265691.